The following is an entry in ClinVar:

NM_004984.4(KIF5A):c.1570-3C>T

Gene: KIF5A (kinesin family member 5A; plus strand). Cytogenetic location: 12q13.3.
Variant type: single nucleotide variant.
Coding change: c.1570-3C>T on transcript NM_004984.4 (MANE Select); 3 bases into the intron before coding-DNA position 1570, C replaced by T.
Molecular consequence: intron variant.
Genome position (GRCh38, 1-based): chr12:57,572,577, C>T. VCF-style: chr12-57572577-C-T. GRCh37 (hg19) VCF-style: chr12-57966360-C-T.
Other names: c.1303-3C>T (NM_001354705.2).
Identifiers: ClinVar variation 880712 (VCV000880712.5), dbSNP rs1365061259, ClinGen allele CA605705754.

ClinVar aggregate classification (germline): Uncertain significance. Review status: criteria provided, multiple submitters, no conflicts (2 of 4 stars). 2 submissions from 2 submitters: Uncertain significance (2). Last evaluated 2023-09-12.

Conditions:
Hereditary spastic paraplegia 10 (SPG10). Also called: SPASTIC PARAPLEGIA 10 WITH OR WITHOUT PERIPHERAL NEUROPATHY; SPASTIC PARAPLEGIA 10 WITH PERIPHERAL NEUROPATHY; SPASTIC PARAPLEGIA 10, AUTOSOMAL DOMINANT. Identifiers: Orphanet 100991, MedGen C1858712, MONDO:0011408, OMIM 604187.

Allele frequency attached by ClinVar (database versions not stated): gnomAD exomes below 0.00001; TOPMed below 0.00001; gnomAD 0.00001.
gnomAD v4.1: 4 of 1,614,112 alleles (0.00025%); highest among the groups gnomAD compares: East Asian, 0.0045%; no homozygotes.

Submissions (2):

Human Genetics Bochum, Ruhr University Bochum
Classification: Uncertain significance for Hereditary spastic paraplegia 10. Last evaluated: 2023-09-12. Review status: criteria provided, single submitter. Criteria: ACMG Guidelines, 2015. Collection method: clinical testing. Allele origin: germline. Affected: yes.
Comment: ACMG criteria used to clasify this variant: PM2_SUP, BP4

Illumina Laboratory Services, Illumina
Classification: Uncertain significance for Hereditary spastic paraplegia 10. Last evaluated: 2018-01-13. Review status: criteria provided, single submitter. Criteria: ICSL Variant Classification Criteria 13 December 2019. Collection method: clinical testing. Allele origin: germline.